The following is an entry in ClinVar:

ClinVar aggregate classification (germline): Uncertain significance (1 of 4 stars; one submission).

Conditions:
MYT1L-related disorder. Also called: MYT1L-related condition.

Submission:

PreventionGenetics, part of Exact Sciences
Classification: Uncertain significance for MYT1L-related condition. Last evaluated: 2025-01-07. Review status: criteria provided, single submitter. Criteria: ACMG Guidelines, 2015. Collection method: clinical testing. Allele origin: germline.
Comment: The MYT1L c.88A>G variant is predicted to result in the amino acid substitution p.Ser30Gly. To our knowledge, this variant has not been reported in the literature or in a large population database (gnomAD), indicating this variant is rare. At this time, the clinical significance of this variant is uncertain due to the absence of conclusive functional and genetic evidence.

NM_001303052.2(MYT1L):c.88A>G (p.Ser30Gly)

Gene: MYT1L (myelin transcription factor 1 like; minus strand). Cytogenetic location: 2p25.3.
Variant type: single nucleotide variant.
Coding change: c.88A>G on transcript NM_001303052.2 (MANE Select); coding-DNA position 88, A replaced by G.
Protein change: p.Ser30Gly; replaces serine 30 with glycine.
Molecular consequence: missense variant.
Genome position (GRCh38, 1-based): chr2:1,979,522, T>C on the plus strand (A>G on the coding strand, the complement: MYT1L is on the minus strand). VCF-style: chr2-1979522-T-C. GRCh37 (hg19) VCF-style: chr2-1983294-T-C.
Other names: c.88A>G, p.Ser30Gly (NM_001329844.2, NM_001329845.1, NM_001329846.3 and 6 more transcripts); short protein forms S30G.
Identifiers: ClinVar variation 5000222 (VCV005000222.1).
Genomic context (GRCh38, chr2:1,979,522, plus strand): 5'-AGAAGGCGTGAATTTTCCAAACTGTTAATGGGGATGCATTTTACCCACATGGCACTAACC[T>C]GAACAGCTCTTGTATGGCTGGTTCCACGGGAACTGCAGAGAGATGGAAATAGATAAAAAT-3'
Protein context (NP_001289981.1, residues 20-40): PVEPAIQELF[Ser30Gly]CPTPGCDGSG